The following is an entry in ClinVar:

NM_005120.3(MED12):c.4646G>A (p.Arg1549His)

Gene: MED12 (mediator complex subunit 12; plus strand). Cytogenetic location: Xq13.1.
Variant type: single nucleotide variant.
Coding change: c.4646G>A on transcript NM_005120.3 (MANE Select); coding-DNA position 4646, G replaced by A.
Protein change: p.Arg1549His; replaces arginine 1549 with histidine.
Molecular consequence: missense variant.
Genome position (GRCh38, 1-based): chrX:71,134,385, G>A. VCF-style: chrX-71134385-G-A. GRCh37 (hg19) VCF-style: chrX-70354235-G-A.
Other names: short protein forms R1549H.
Identifiers: ClinVar variation 3374703 (VCV003374703.2).

ClinVar aggregate classification (germline): Likely pathogenic (1 of 4 stars; one submission).

Conditions:
MED12-related neurodevelopmental delay.

gnomAD v4.1: 3 of 1,163,908 alleles (0.00026%); highest among the groups gnomAD compares: African/African-American, 0.0018%; no homozygotes.

Submission:

Molecular Genetics Laboratory, Motol Hospital
Classification: Likely pathogenic for MED12-related neurodevelopmental delay. Last evaluated: 2024-11-06. Review status: criteria provided, single submitter. Criteria: ACMG Guidelines, 2015. Collection method: clinical testing. Allele origin: de novo. Affected: yes. Observed: 1 variant allele.
Comment: The variant was confirmed to be of a de novo origin. Rare de novo or inherited missense variations altering the MED12 were well documented as causative in the pathogenesis of non-specific, MED12-related neurodevelopmental delay, Opitz Kaveggia syndrome, Lujan-Fryns syndrome and Ohdo syndrome in males (X-linked recessive inheritance) (PMID:36271811). To conclude, the variant is classified as likely pathogenic (ACMG PS2, PM2, PP2).

Literature cited by the submitters: PubMed 36271811; PubMed 33244165; PubMed 23395478.